The following is an entry in ClinVar:

ClinVar aggregate classification (germline): Uncertain significance (1 of 4 stars; one submission).

Conditions:
Rolandic epilepsy, impaired intellectual development, and speech dyspraxia, X-linked. Also called: Rolandic epilepsy, impaired intellectual development, and speech dyspraxia; Rolandic epilepsy, intellectual disability, and speech dyspraxia, X-linked. Identifiers: MedGen C1845070, MONDO:0010388, OMIM 300643.

Submission:

Labcorp Genetics (formerly Invitae), Labcorp
Classification: Uncertain significance for Rolandic epilepsy, impaired intellectual development, and speech dyspraxia, X-linked. Last evaluated: 2020-10-08. Review status: criteria provided, single submitter. Criteria: Invitae Variant Classification Sherloc (09022015). Collection method: clinical testing. Allele origin: germline.
Comment: This sequence change falls in intron 3 of the SRPX2 gene. It does not directly change the encoded amino acid sequence of the SRPX2 protein. This variant is not present in population databases (ExAC no frequency). This variant has not been reported in the literature in individuals with SRPX2-related conditions. Algorithms developed to predict the effect of sequence changes on RNA splicing suggest that this variant may create or strengthen a splice site, but this prediction has not been confirmed by published transcriptional studies. In summary, the available evidence is currently insufficient to determine the role of this variant in disease. Therefore, it has been classified as a Variant of Uncertain Significance.

NM_014467.3(SRPX2):c.112_163+10dup

Gene: SRPX2 (sushi repeat containing protein X-linked 2; plus strand). Cytogenetic location: Xq22.1.
Variant type: Duplication.
Coding change: c.112_163+10dup on transcript NM_014467.3 (MANE Select); coding-DNA position 112 through 10 bases into the intron after coding-DNA position 163, 62 bases duplicated.
Molecular consequence: splice donor variant.
Genome position (GRCh38, 1-based): chrX:100,650,814-100,650,875, 62 bases duplicated. GRCh37 (hg19): chrX:99,905,811-99,905,872.
Identifiers: ClinVar variation 1035311 (VCV001035311.9), dbSNP rs2083150642, ClinGen allele CA2448056420.